The following is an entry in ClinVar:

NM_006734.4(HIVEP2):c.3716A>G (p.Gln1239Arg)

Gene: HIVEP2 (HIVEP zinc finger 2; minus strand). Cytogenetic location: 6q24.2.
Variant type: single nucleotide variant.
Coding change: c.3716A>G on transcript NM_006734.4 (MANE Select); coding-DNA position 3716, A replaced by G.
Protein change: p.Gln1239Arg; replaces glutamine 1239 with arginine.
Molecular consequence: missense variant.
Genome position (GRCh38, 1-based): chr6:142,771,023, T>C on the plus strand (A>G on the coding strand, the complement: HIVEP2 is on the minus strand). VCF-style: chr6-142771023-T-C. GRCh37 (hg19) VCF-style: chr6-143092160-T-C.
Other names: short protein forms Q1239R.
Identifiers: ClinVar variation 2085754 (VCV002085754.4), dbSNP rs780670579, ClinGen allele CA4028198.
Genomic context (GRCh38, chr6:142,771,023, plus strand): 5'-TGCTCTAAGGGATAGCTCGAATGGATTTCTGTCTGAAAAGAGGGCTTGCCATAGCTCTTC[T>C]GAGGGTGCTGAGCAAAGGGATGTGGGAAATGTGCCTGCCACCAGGGAGGCTGCTGAGCTG-3'
Protein context (NP_006725.3, residues 1229-1249): HFPHPFAQHP[Gln1239Arg]KSYGKPSFQT

ClinVar aggregate classification (germline): Uncertain significance (1 of 4 stars; one submission).

Allele frequency attached by ClinVar (database versions not stated): TOPMed below 0.00001; ExAC 0.00001; gnomAD exomes 0.00001.
gnomAD v4.1: 10 of 1,614,210 alleles (0.00062%); highest among the groups gnomAD compares: Non-Finnish European, 0.00085%; no homozygotes.

Submission:

Labcorp Genetics (formerly Invitae), Labcorp
Classification: Uncertain significance. Last evaluated: 2022-01-16. Review status: criteria provided, single submitter. Criteria: Invitae Variant Classification Sherloc (09022015). Collection method: clinical testing. Allele origin: germline.
Comment: In summary, the available evidence is currently insufficient to determine the role of this variant in disease. Therefore, it has been classified as a Variant of Uncertain Significance. Algorithms developed to predict the effect of missense changes on protein structure and function (SIFT, PolyPhen-2, Align-GVGD) all suggest that this variant is likely to be tolerated. This variant has not been reported in the literature in individuals affected with HIVEP2-related conditions. This variant is present in population databases (rs780670579, gnomAD 0.002%). This sequence change replaces glutamine, which is neutral and polar, with arginine, which is basic and polar, at codon 1239 of the HIVEP2 protein (p.Gln1239Arg).